The following is an entry in ClinVar:

NM_003036.4(SKI):c.421G>A (p.Ala141Thr)

Gene: SKI (SKI proto-oncogene; plus strand). Cytogenetic location: 1p36.33.
Variant type: single nucleotide variant.
Coding change: c.421G>A on transcript NM_003036.4 (MANE Select); coding-DNA position 421, G replaced by A.
Protein change: p.Ala141Thr; replaces alanine 141 with threonine.
Molecular consequence: missense variant.
Genome position (GRCh38, 1-based): chr1:2,229,187, G>A. VCF-style: chr1-2229187-G-A. GRCh37 (hg19) VCF-style: chr1-2160626-G-A.
Other names: short protein forms A141T.
Identifiers: ClinVar variation 3954890 (VCV003954890.2).

ClinVar aggregate classification (germline): Uncertain significance. Review status: criteria provided, multiple submitters, no conflicts (2 of 4 stars). 2 submissions from 2 submitters: Uncertain significance (2). Last evaluated 2026-05-18.

Conditions:
SKI-related disorder. Also called: SKI-related condition.
Familial thoracic aortic aneurysm and aortic dissection (TAAD). Also called: Thoracic aortic aneurysms and dissections. Identifiers: Orphanet 91387, MedGen C4707243, MONDO:0019625.

gnomAD v4.1: 1 of 1,611,226 alleles (0.000062%); highest among the groups gnomAD compares: South Asian, 0.0011%; no homozygotes.

Submissions (2):

PreventionGenetics, part of Exact Sciences
Classification: Uncertain significance for SKI-related condition. Last evaluated: 2026-05-18. Review status: criteria provided, single submitter. Criteria: ACMG Guidelines, 2015. Collection method: clinical testing. Allele origin: germline.
Comment: The SKI c.421G>A variant is predicted to result in the amino acid substitution p.Ala141Thr. To our knowledge, this variant has not been reported in the literature or in a large population database (gnomAD), indicating this variant is rare. At this time, the clinical significance of this variant is uncertain due to the absence of conclusive functional and genetic evidence.

Ambry Genetics
Classification: Uncertain significance for Familial thoracic aortic aneurysm and aortic dissection. Last evaluated: 2025-05-18. Review status: criteria provided, single submitter. Criteria: Ambry Variant Classification Scheme 2023. Collection method: clinical testing. Allele origin: germline.
Comment: The p.A141T variant (also known as c.421G>A), located in coding exon 1 of the SKI gene, results from a G to A substitution at nucleotide position 421. The alanine at codon 141 is replaced by threonine, an amino acid with similar properties. This amino acid position is conserved. In addition, this alteration is predicted to be tolerated by in silico analysis. Based on the available evidence, the clinical significance of this variant remains unclear.